The following is an entry in ClinVar:

ClinVar aggregate classification (germline): Uncertain significance (1 of 4 stars; one submission).

Allele frequency attached by ClinVar (database versions not stated): gnomAD below 0.00001 and 0.00005; TOPMed 0.00002; gnomAD exomes 0.00003; ExAC 0.00011; 1000 Genomes Project 30x 0.00109; 1000 Genomes Project 0.00140.
gnomAD v4.1: 54 of 1,573,976 alleles (0.0034%); highest among the groups gnomAD compares: South Asian, 0.062%; 1 homozygote.

Submission:

Labcorp Genetics (formerly Invitae), Labcorp
Classification: Uncertain significance. Last evaluated: 2022-10-28. Review status: criteria provided, single submitter. Criteria: Invitae Variant Classification Sherloc (09022015). Collection method: clinical testing. Allele origin: germline.
Comment: This sequence change replaces tryptophan, which is neutral and slightly polar, with serine, which is neutral and polar, at codon 5 of the CYP4V2 protein (p.Trp5Ser). This variant is present in population databases (rs556591903, gnomAD 0.02%). This variant has not been reported in the literature in individuals affected with CYP4V2-related conditions. ClinVar contains an entry for this variant (Variation ID: 1005466). Advanced modeling of protein sequence and biophysical properties (such as structural, functional, and spatial information, amino acid conservation, physicochemical variation, residue mobility, and thermodynamic stability) has been performed at Invitae for this missense variant, however the output from this modeling did not meet the statistical confidence thresholds required to predict the impact of this variant on CYP4V2 protein function. In summary, the available evidence is currently insufficient to determine the role of this variant in disease. Therefore, it has been classified as a Variant of Uncertain Significance.

NM_207352.4(CYP4V2):c.14G>C (p.Trp5Ser)

Genes: CYP4V2 (cytochrome P450 family 4 subfamily V member 2; plus strand), LOC129993526 (ATAC-STARR-seq lymphoblastoid silent region 15858; plus strand). Cytogenetic location: 4q35.1.
Variant type: single nucleotide variant.
Coding change: c.14G>C on transcript NM_207352.4 (MANE Select); coding-DNA position 14, G replaced by C.
Protein change: p.Trp5Ser; replaces tryptophan 5 with serine.
Molecular consequence: missense variant.
Genome position (GRCh38, 1-based): chr4:186,191,837, G>C. VCF-style: chr4-186191837-G-C. GRCh37 (hg19) VCF-style: chr4-187112991-G-C.
Other names: short protein forms W5S.
Identifiers: ClinVar variation 1005466 (VCV001005466.6), dbSNP rs556591903, ClinGen allele CA3162403.